The following is an entry in ClinVar:

NM_001371986.1(UNC80):c.222A>G (p.Arg74=)

Gene: UNC80 (unc-80 homolog, NALCN channel complex subunit; plus strand). Cytogenetic location: 2q34.
Variant type: single nucleotide variant.
Coding change: c.222A>G on transcript NM_001371986.1 (MANE Select); coding-DNA position 222, A replaced by G.
Protein change: p.Arg74=; no amino-acid change (arginine 74 retained).
Molecular consequence: synonymous variant.
Genome position (GRCh38, 1-based): chr2:209,775,969, A>G. VCF-style: chr2-209775969-A-G. GRCh37 (hg19) VCF-style: chr2-210640693-A-G.
Other names: c.222A>G, p.Arg74= (NM_032504.2, NM_182587.4).
Identifiers: ClinVar variation 2192693 (VCV002192693.1), dbSNP rs966811361, ClinGen allele CA64645076.

ClinVar aggregate classification (germline): Uncertain significance (1 of 4 stars; one submission).

Allele frequency attached by ClinVar (database versions not stated): gnomAD exomes below 0.00001; TOPMed 0.00001.
gnomAD v4.1: 3 of 1,614,114 alleles (0.00019%); highest among the groups gnomAD compares: Non-Finnish European, 0.00025%; no homozygotes.

Submission:

Labcorp Genetics (formerly Invitae), Labcorp
Classification: Uncertain significance. Last evaluated: 2022-06-03. Review status: criteria provided, single submitter. Criteria: Invitae Variant Classification Sherloc (09022015). Collection method: clinical testing. Allele origin: germline.
Comment: This sequence change affects codon 74 of the UNC80 mRNA. It is a 'silent' change, meaning that it does not change the encoded amino acid sequence of the UNC80 protein. This variant is not present in population databases (gnomAD no frequency). This variant has not been reported in the literature in individuals affected with UNC80-related conditions. Algorithms developed to predict the effect of sequence changes on RNA splicing suggest that this variant may create or strengthen a splice site. In summary, the available evidence is currently insufficient to determine the role of this variant in disease. Therefore, it has been classified as a Variant of Uncertain Significance.